The following is an entry in ClinVar:

ClinVar aggregate classification (germline): Pathogenic (1 of 4 stars; one submission).

Conditions:
Hyperinsulinemic hypoglycemia, familial, 1 (HHF1). Also called: HYPERINSULINISM, FAMILIAL, WITH PANCREATIC NESIDIOBLASTOSIS; HYPOGLYCEMIA, HYPERINSULINEMIC, OF INFANCY; NESIDIOBLASTOSIS OF PANCREAS; Persistent Hyperinsulinemia Hypoglycemia of Infancy; Persistent hyperinsulinemic hypoglycemia of infancy. Identifiers: Orphanet 276575, Orphanet 276598, MedGen C2931832, MONDO:0009734, OMIM 256450.

Submission:

Myriad Genetics, Inc.
Classification: Pathogenic for Hyperinsulinemic hypoglycemia, familial, 1. Last evaluated: 2023-08-21. Review status: criteria provided, single submitter. Criteria: Myriad Autosomal Dominant, Autosomal Recessive and X-Linked Classification Criteria (2023). Collection method: clinical testing. Allele origin: unknown.
Comment: NM_000352.3(ABCC8):c.2074_2075insATGA(G692Dfs*54) is expected to be pathogenic in the context of familial hyperinsulinism, ABCC8-related. This variant is predicted to lead to an abnormal or absent protein product due to the creation of a premature termination codon in ABCC8, a gene where loss-of-function variants are known to be pathogenic. Please note: this variant was assessed in the context of healthy population screening.

NM_000352.6(ABCC8):c.2074_2075insATGA (p.Gly692fs)

Gene: ABCC8 (ATP binding cassette subfamily C member 8; minus strand). Cytogenetic location: 11p15.1.
Variant type: Insertion.
Coding change: c.2074_2075insATGA on transcript NM_000352.6 (MANE Select); coding-DNA positions 2074 to 2075, ATGA inserted.
Protein change: p.Gly692fs; shifts the reading frame from glycine 692.
Molecular consequence: frameshift variant. On other transcripts: non-coding transcript variant (1).
Genome position: GRCh38 VCF-style: chr11-17427908-C-CTCAT. GRCh37 (hg19) VCF-style: chr11-17449455-C-CTCAT.
Other names: c.2074_2075insATGA, p.Gly692fs (NM_001287174.3); c.2140_2141insATGA, p.Gly714fs (NM_001351295.2); c.2071_2072insATGA, p.Gly691fs (NM_001351296.2, NM_001351297.2); short protein forms G691fs, G692fs, G714fs.
Identifiers: ClinVar variation 5011419 (VCV005011419.1).